The following is an entry in ClinVar:

ClinVar aggregate classification (germline): Uncertain significance (1 of 4 stars; one submission).

Conditions:
Myofibrillar myopathy 6. Identifiers: Orphanet 199340, MedGen C2751831, MONDO:0013061, OMIM 612954.
Dilated cardiomyopathy 1HH (CMD1HH). Identifiers: Orphanet 154, MedGen C3151293, MONDO:0013479, OMIM 613881.

Submission:

Labcorp Genetics (formerly Invitae), Labcorp
Classification: Uncertain significance for Dilated cardiomyopathy 1HH; Myofibrillar myopathy 6. Last evaluated: 2024-07-19. Review status: criteria provided, single submitter. Criteria: Invitae Variant Classification Sherloc (09022015). Collection method: clinical testing. Allele origin: germline.
Comment: This sequence change replaces proline, which is neutral and non-polar, with alanine, which is neutral and non-polar, at codon 234 of the BAG3 protein (p.Pro234Ala). This variant is not present in population databases (gnomAD no frequency). This variant has not been reported in the literature in individuals affected with BAG3-related conditions. Advanced modeling of protein sequence and biophysical properties (such as structural, functional, and spatial information, amino acid conservation, physicochemical variation, residue mobility, and thermodynamic stability) has been performed at Invitae for this missense variant, however the output from this modeling did not meet the statistical confidence thresholds required to predict the impact of this variant on BAG3 protein function. In summary, the available evidence is currently insufficient to determine the role of this variant in disease. Therefore, it has been classified as a Variant of Uncertain Significance.

NM_004281.4(BAG3):c.700C>G (p.Pro234Ala)

Gene: BAG3 (BAG cochaperone 3; plus strand). Cytogenetic location: 10q26.11.
Variant type: single nucleotide variant.
Coding change: c.700C>G on transcript NM_004281.4 (MANE Select); coding-DNA position 700, C replaced by G.
Protein change: p.Pro234Ala; replaces proline 234 with alanine.
Molecular consequence: missense variant.
Genome position (GRCh38, 1-based): chr10:119,672,447, C>G. VCF-style: chr10-119672447-C-G. GRCh37 (hg19) VCF-style: chr10-121431959-C-G.
Other names: short protein forms P234A.
Identifiers: ClinVar variation 3748266 (VCV003748266.2).